The following is an entry in ClinVar:

NM_000051.4(ATM):c.7076C>A (p.Thr2359Asn)

Genes: C11orf65 (chromosome 11 open reading frame 65; minus strand), ATM (ATM serine/threonine kinase; plus strand). Cytogenetic location: 11q22.3.
Variant type: single nucleotide variant.
Coding change: c.7076C>A on transcript NM_000051.4 (MANE Select); coding-DNA position 7076, C replaced by A.
Protein change: p.Thr2359Asn; replaces threonine 2359 with asparagine.
Molecular consequence: missense variant. On other transcripts: intron variant (2).
Genome position (GRCh38, 1-based): chr11:108,327,745, C>A. VCF-style: chr11-108327745-C-A. GRCh37 (hg19) VCF-style: chr11-108198472-C-A.
Other names: c.7076C>A, p.Thr2359Asn (NM_001351834.2); c.641-18674G>T (NM_001330368.2); c.*38+7475G>T (NM_001351110.2); short protein forms T2359N.
Identifiers: ClinVar variation 576097 (VCV000576097.15), dbSNP rs730881314, ClinGen allele CA382559142.
Genomic context (GRCh38, chr11:108,327,745, plus strand): 5'-GGGTTTGTGGCAACTGGTTAGCAGAAACGTGCTTAGAAAATCCTGCGGTCATCATGCAGA[C>A]CTATCTAGAAAAGGTAAGATTTTTGGAGCAACCCTTAAGATAGTTACTTAGCATGAATAT-3'
Protein context (NP_000042.3, residues 2349-2369): CLENPAVIMQ[Thr2359Asn]YLEKAVEVAG

ClinVar aggregate classification (germline): Conflicting classifications of pathogenicity. Review status: criteria provided, conflicting classifications (1 of 4 stars). 3 submissions from 3 submitters: Uncertain significance (2); Likely benign (1). Last evaluated 2025-05-03.

Conditions:
Hereditary cancer-predisposing syndrome. Also called: Hereditary Cancer Syndrome; Neoplastic Syndromes, Hereditary; Tumor predisposition; Hereditary neoplastic syndrome. Identifiers: Orphanet 140162, MedGen C0027672, MeSH D009386, MONDO:0015356.
Familial cancer of breast. Also called: BREAST CANCER, FAMILIAL; Hereditary breast cancer; hereditary breast carcinoma. Identifiers: Orphanet 227535, MedGen C0346153, MONDO:0016419, OMIM 114480. Disease mechanism: loss of function.
Ataxia-telangiectasia syndrome (AT). Also called: Cerebello-oculocutaneous telangiectasia; Immunodeficiency with ataxia telangiectasia; Ataxia-telangiectasia, complementation group E; Ataxia-telangiectasia, complementation group D; AT, COMPLEMENTATION GROUP C; ATAXIA-TELANGIECTASIA, COMPLEMENTATION GROUP A. Identifiers: Orphanet 100, MedGen C0004135, MONDO:0008840, OMIM 208900.

Submissions (3):

Ambry Genetics
Classification: Likely benign for Hereditary cancer-predisposing syndrome. Last evaluated: 2025-05-03. Review status: criteria provided, single submitter. Criteria: Ambry Variant Classification Scheme 2023. Collection method: clinical testing. Allele origin: germline.

Baylor Genetics
Classification: Uncertain significance for Familial cancer of breast. Last evaluated: 2023-08-03. Review status: criteria provided, single submitter. Criteria: ACMG Guidelines, 2015. Collection method: clinical testing. Allele origin: unknown.

Labcorp Genetics (formerly Invitae), Labcorp
Classification: Uncertain significance for Ataxia-telangiectasia syndrome. Last evaluated: 2023-07-28. Review status: criteria provided, single submitter. Criteria: Invitae Variant Classification Sherloc (09022015). Collection method: clinical testing. Allele origin: germline.
Comment: This sequence change replaces threonine, which is neutral and polar, with asparagine, which is neutral and polar, at codon 2359 of the ATM protein (p.Thr2359Asn). In summary, the available evidence is currently insufficient to determine the role of this variant in disease. Therefore, it has been classified as a Variant of Uncertain Significance. An algorithm developed to predict the effect of missense changes on protein structure and function (PolyPhen-2) suggests that this variant is likely to be tolerated. ClinVar contains an entry for this variant (Variation ID: 576097). This variant has not been reported in the literature in individuals affected with ATM-related conditions. This variant is not present in population databases (gnomAD no frequency).